The following is an entry in ClinVar:

ClinVar aggregate classification (germline): Uncertain significance (1 of 4 stars; one submission).

Conditions:
PCNT-related disorder. Also called: PCNT-related condition.

Allele frequency attached by ClinVar (database versions not stated): gnomAD exomes below 0.00001; gnomAD 0.00001; TOPMed 0.00001; ExAC 0.00002.
gnomAD v4.1: 4 of 1,614,096 alleles (0.00025%); highest among the groups gnomAD compares: East Asian, 0.0067%; no homozygotes.

Submission:

PreventionGenetics, part of Exact Sciences
Classification: Uncertain significance for PCNT-related condition. Last evaluated: 2022-12-03. Review status: criteria provided, single submitter. Criteria: ACMG Guidelines, 2015. Collection method: clinical testing. Allele origin: germline.
Comment: The PCNT c.7736G>A variant is predicted to result in the amino acid substitution p.Gly2579Asp. To our knowledge, this variant has not been reported in the literature. This variant is reported in 0.020% of alleles in individuals of East Asian descent in gnomAD. At this time, the clinical significance of this variant is uncertain due to the absence of conclusive functional and genetic evidence.

NM_006031.6(PCNT):c.7736G>A (p.Gly2579Asp)

Gene: PCNT (pericentrin; plus strand). Cytogenetic location: 21q22.3.
Variant type: single nucleotide variant.
Coding change: c.7736G>A on transcript NM_006031.6 (MANE Select); coding-DNA position 7736, G replaced by A.
Protein change: p.Gly2579Asp; replaces glycine 2579 with aspartic acid.
Molecular consequence: missense variant.
Genome position (GRCh38, 1-based): chr21:46,430,055, G>A. VCF-style: chr21-46430055-G-A. GRCh37 (hg19) VCF-style: chr21-47849969-G-A.
Other names: c.7382G>A, p.Gly2461Asp (NM_001315529.2); short protein forms G2461D, G2579D.
Identifiers: ClinVar variation 2629042 (VCV002629042.1), dbSNP rs773168522, ClinGen allele CA10080785.
Genomic context (GRCh38, chr21:46,430,055, plus strand): 5'-TTTTGTCTTTCTCAGTTGAACTGCTGGCTTATAAAGTAGAGCAGGAGAAGTGCATTGCTG[G>A]TGACTTGCAGAAGACGCTGAGTGAAGAGCAAGAGAAGGCAAACAGCGTGCAGAAGCTCCT-3'
Protein context (NP_006022.3, residues 2569-2589): YKVEQEKCIA[Gly2579Asp]DLQKTLSEEQ